The following is an entry in ClinVar:

NM_020911.2(PLXNA4):c.268G>A (p.Glu90Lys)

Gene: PLXNA4 (plexin A4; minus strand). Cytogenetic location: 7q32.3.
Variant type: single nucleotide variant.
Coding change: c.268G>A on transcript NM_020911.2 (MANE Select); coding-DNA position 268, G replaced by A.
Protein change: p.Glu90Lys; replaces glutamic acid 90 with lysine.
Molecular consequence: missense variant.
Genome position (GRCh38, 1-based): chr7:132,508,426, C>T on the plus strand (G>A on the coding strand, the complement: PLXNA4 is on the minus strand). VCF-style: chr7-132508426-C-T. GRCh37 (hg19) VCF-style: chr7-132193185-C-T.
Other names: c.268G>A, p.Glu90Lys (NM_001105543.2, NM_001393897.1, NM_181775.4); short protein forms E90K.
Identifiers: ClinVar variation 4984914 (VCV004984914.1).

ClinVar aggregate classification (germline): Uncertain significance (1 of 4 stars; one submission).

Conditions:
PLXNA4-related disorder. Also called: PLXNA4-related condition.

gnomAD v4.1: 14 of 1,614,058 alleles (0.00087%); highest among the groups gnomAD compares: Non-Finnish European, 0.0011%; no homozygotes.

Submission:

PreventionGenetics, part of Exact Sciences
Classification: Uncertain significance for PLXNA4-related condition. Last evaluated: 2025-04-10. Review status: criteria provided, single submitter. Criteria: ACMG Guidelines, 2015. Collection method: clinical testing. Allele origin: germline.
Comment: The PLXNA4 c.268G>A variant is predicted to result in the amino acid substitution p.Glu90Lys. To our knowledge, this variant has not been reported in the literature. This variant is reported in 0.0018% of alleles in individuals of European (Non-Finnish) descent in gnomAD. At this time, the clinical significance of this variant is uncertain due to the absence of conclusive functional and genetic evidence.